The following is an entry in ClinVar:

ClinVar aggregate classification (germline): Uncertain significance (1 of 4 stars; one submission).

Conditions:
Severe combined immunodeficiency due to CORO1A deficiency. Also called: IMMUNODEFICIENCY 8 WITH LYMPHOPROLIFERATION; Immunodeficiency 8. Identifiers: Orphanet 228003, MedGen C3809383, MONDO:0014168, OMIM 615401.

Allele frequency attached by ClinVar (database versions not stated): gnomAD exomes below 0.00001; gnomAD 0.00001; TOPMed 0.00001.
gnomAD v4.1: 4 of 1,609,936 alleles (0.00025%); highest among the groups gnomAD compares: East Asian, 0.0067%; no homozygotes.

Submission:

Labcorp Genetics (formerly Invitae), Labcorp
Classification: Uncertain significance for Severe combined immunodeficiency due to CORO1A deficiency. Last evaluated: 2022-01-26. Review status: criteria provided, single submitter. Criteria: Invitae Variant Classification Sherloc (09022015). Collection method: clinical testing. Allele origin: germline.
Comment: In summary, the available evidence is currently insufficient to determine the role of this variant in disease. Therefore, it has been classified as a Variant of Uncertain Significance. Algorithms developed to predict the effect of sequence changes on RNA splicing suggest that this variant may create or strengthen a splice site. Algorithms developed to predict the effect of missense changes on protein structure and function (SIFT, PolyPhen-2, Align-GVGD) all suggest that this variant is likely to be tolerated. This variant has not been reported in the literature in individuals affected with CORO1A-related conditions. This variant is not present in population databases (gnomAD no frequency). This sequence change replaces histidine, which is basic and polar, with tyrosine, which is neutral and polar, at codon 254 of the CORO1A protein (p.His254Tyr).

NM_007074.4(CORO1A):c.760C>T (p.His254Tyr)

Gene: CORO1A (coronin 1A; plus strand). Cytogenetic location: 16p11.2.
Variant type: single nucleotide variant.
Coding change: c.760C>T on transcript NM_007074.4 (MANE Select); coding-DNA position 760, C replaced by T.
Protein change: p.His254Tyr; replaces histidine 254 with tyrosine.
Molecular consequence: missense variant.
Genome position (GRCh38, 1-based): chr16:30,187,728, C>T. VCF-style: chr16-30187728-C-T. GRCh37 (hg19) VCF-style: chr16-30199049-C-T.
Other names: c.760C>T, p.His254Tyr (NM_001193333.3); short protein forms H254Y.
Identifiers: ClinVar variation 1966396 (VCV001966396.3), dbSNP rs1196294081, ClinGen allele CA395495880.
Genomic context (GRCh38, chr16:30,187,728, plus strand): 5'-CCCAGGGAAGACCACCATCCCAGGGCCTGGGATGTTACCTCTCACCTGTGTCTACAGAAG[C>T]ACCTGGAGGAGCCGCTGTCCCTGCAGGAGCTGGACACCAGCAGCGGTGTCCTGCTGCCCT-3'
Protein context (NP_009005.1, residues 244-264): ERQVALWDTK[His254Tyr]LEEPLSLQEL